The following is an entry in ClinVar:

ClinVar aggregate classification (germline): Uncertain significance. Review status: criteria provided, multiple submitters, no conflicts (2 of 4 stars). 4 submissions from 4 submitters: Uncertain significance (4). Last evaluated 2025-10-12.

Conditions:
Alpha thalassemia-X-linked intellectual disability syndrome (ATRX). Also called: X-linked alpha-thalassemia-mental retardation syndrome; ALPHA-THALASSEMIA/IMPAIRED INTELLECTUAL DEVELOPMENT SYNDROME, X-LINKED; ALPHA-THALASSEMIA/MENTAL RETARDATION SYNDROME, X-LINKED; ATR, NONDELETION TYPE; ATR-X syndrome; Alpha thalassemia mental retardation syndrome, nondeletion type, X-linked. Identifiers: Orphanet 847, MedGen C1845055, MONDO:0010519, OMIM 301040.

gnomAD v4.1: 1 of 1,196,375 alleles (0.000084%); highest among the groups gnomAD compares: Non-Finnish European, 0.00011%; no homozygotes.

Submissions (4):

Dasa
Classification: Uncertain significance. Last evaluated: 2025-10-12. Review status: criteria provided, single submitter. Criteria: DASA Assertion Criteria. Collection method: clinical testing. Allele origin: germline.
Comment: NM_000489.6(ATRX):c.24A>C (p.Glu8Asp) is a missense variant that results in the substitution of glutamic acid with aspartic acid. This variant is rare in population databases. The currently available literature and clinical evidence are not sufficient to establish a definitive association between this variant and the reported condition. Therefore, this variant is classified as a variant of uncertain significance.

Labcorp Genetics (formerly Invitae), Labcorp
Classification: Uncertain significance for Alpha thalassemia-X-linked intellectual disability syndrome. Last evaluated: 2025-07-10. Review status: criteria provided, single submitter. Criteria: Invitae Variant Classification Sherloc (09022015). Collection method: clinical testing. Allele origin: germline.
Comment: This sequence change replaces glutamic acid, which is acidic and polar, with aspartic acid, which is acidic and polar, at codon 8 of the ATRX protein (p.Glu8Asp). This variant is not present in population databases (gnomAD no frequency). This variant has not been reported in the literature in individuals affected with ATRX-related conditions. ClinVar contains an entry for this variant (Variation ID: 1199159). Invitae Evidence Modeling of protein sequence and biophysical properties (such as structural, functional, and spatial information, amino acid conservation, physicochemical variation, residue mobility, and thermodynamic stability) indicates that this missense variant is not expected to disrupt ATRX protein function with a negative predictive value of 95%. In summary, the available evidence is currently insufficient to determine the role of this variant in disease. Therefore, it has been classified as a Variant of Uncertain Significance.

GeneDx
Classification: Uncertain significance. Last evaluated: 2021-08-06. Review status: criteria provided, single submitter. Criteria: GeneDx Variant Classification Process June 2021. Collection method: clinical testing. Allele origin: germline. Affected: yes.
Comment: Not observed in large population cohorts (Lek et al., 2016); In silico analysis supports that this missense variant does not alter protein structure/function; Has not been previously published as pathogenic or benign to our knowledge

Laboratorio de Genetica e Diagnostico Molecular, Hospital Israelita Albert Einstein
Classification: Uncertain significance. Last evaluated: 2020-03-13. Review status: criteria provided, single submitter. Criteria: ACMG Guidelines, 2015. Collection method: clinical testing. Allele origin: germline. Affected: yes.
Comment: ACMG classification criteria: PM2, BP4

NM_000489.6(ATRX):c.24A>C (p.Glu8Asp)

Gene: ATRX (ATRX chromatin remodeler; minus strand). Cytogenetic location: Xq21.1.
Variant type: single nucleotide variant.
Coding change: c.24A>C on transcript NM_000489.6 (MANE Select); coding-DNA position 24, A replaced by C.
Protein change: p.Glu8Asp; replaces glutamic acid 8 with aspartic acid.
Molecular consequence: missense variant.
Genome position (GRCh38, 1-based): chrX:77,717,240, T>G on the plus strand (A>C on the coding strand, the complement: ATRX is on the minus strand). VCF-style: chrX-77717240-T-G. GRCh37 (hg19) VCF-style: chrX-76972717-T-G.
Other names: c.24A>C, p.Glu8Asp (NM_138270.5); short protein forms E8D.
Identifiers: ClinVar variation 1199159 (VCV001199159.12), dbSNP rs2148752831, ClinGen allele CA413724779.